The following is an entry in ClinVar:

NM_033272.4(KCNH7):c.2640G>A (p.Met880Ile)

Gene: KCNH7 (potassium voltage-gated channel subfamily H member 7; minus strand). Cytogenetic location: 2q24.2.
Variant type: single nucleotide variant.
Coding change: c.2640G>A on transcript NM_033272.4 (MANE Select); coding-DNA position 2640, G replaced by A.
Protein change: p.Met880Ile; replaces methionine 880 with isoleucine.
Molecular consequence: missense variant.
Genome position (GRCh38, 1-based): chr2:162,394,459, C>T on the plus strand (G>A on the coding strand, the complement: KCNH7 is on the minus strand). VCF-style: chr2-162394459-C-T. GRCh37 (hg19) VCF-style: chr2-163250969-C-T.
Other names: short protein forms M880I.
Identifiers: ClinVar variation 3040165 (VCV003040165.2), dbSNP rs143881602, ClinGen allele CA1935450.

ClinVar aggregate classification (germline): Benign (0 of 4 stars; one submission).

Conditions:
KCNH7-related disorder. Also called: KCNH7-related condition.

Allele frequency attached by ClinVar (database versions not stated): gnomAD exomes 0.00025; ESP Exome Variant Server 0.00038; gnomAD 0.00039; TOPMed 0.00040; ExAC 0.00083; 1000 Genomes Project 30x 0.00172; 1000 Genomes Project 0.00180.
gnomAD v4.1: 456 of 1,605,958 alleles (0.028%); highest among the groups gnomAD compares: East Asian, 0.86%; 2 homozygotes.

Submission:

PreventionGenetics, part of Exact Sciences
Classification: Benign for KCNH7-related condition. Last evaluated: 2020-01-20. Review status: no assertion criteria provided. Collection method: clinical testing. Allele origin: germline.
Comment: This variant is classified as benign based on ACMG/AMP sequence variant interpretation guidelines (Richards et al. 2015 PMID: 25741868, with internal and published modifications).